The following is an entry in ClinVar:

ClinVar aggregate classification (germline): Uncertain significance. Review status: criteria provided, multiple submitters, no conflicts (2 of 4 stars). 2 submissions from 2 submitters: Uncertain significance (2). Last evaluated 2024-10-21.

Conditions:
Inborn genetic diseases. Identifiers: MedGen C0950123, MeSH D030342.

Allele frequency attached by ClinVar (database versions not stated): gnomAD exomes 0.00001 and 0.00002; ExAC 0.00003.
gnomAD v4.1: 12 of 1,613,910 alleles (0.00074%); highest among the groups gnomAD compares: South Asian, 0.0099%; no homozygotes.

Submissions (2):

Labcorp Genetics (formerly Invitae), Labcorp
Classification: Uncertain significance. Last evaluated: 2024-10-21. Review status: criteria provided, single submitter. Criteria: Invitae Variant Classification Sherloc (09022015). Collection method: clinical testing. Allele origin: germline.
Comment: This sequence change replaces alanine, which is neutral and non-polar, with valine, which is neutral and non-polar, at codon 446 of the TTLL5 protein (p.Ala446Val). This variant is present in population databases (rs772710450, gnomAD 0.02%). This variant has not been reported in the literature in individuals affected with TTLL5-related conditions. ClinVar contains an entry for this variant (Variation ID: 1371546). Invitae Evidence Modeling of protein sequence and biophysical properties (such as structural, functional, and spatial information, amino acid conservation, physicochemical variation, residue mobility, and thermodynamic stability) indicates that this missense variant is not expected to disrupt TTLL5 protein function with a negative predictive value of 80%. In summary, the available evidence is currently insufficient to determine the role of this variant in disease. Therefore, it has been classified as a Variant of Uncertain Significance.

Ambry Genetics
Classification: Uncertain significance for Inborn genetic diseases. Last evaluated: 2022-11-17. Review status: criteria provided, single submitter. Criteria: Ambry Variant Classification Scheme 2023. Collection method: clinical testing. Allele origin: germline.

NM_015072.5(TTLL5):c.1337C>T (p.Ala446Val)

Gene: TTLL5 (tubulin tyrosine ligase like 5; plus strand). Cytogenetic location: 14q24.3.
Variant type: single nucleotide variant.
Coding change: c.1337C>T on transcript NM_015072.5 (MANE Select); coding-DNA position 1337, C replaced by T.
Protein change: p.Ala446Val; replaces alanine 446 with valine.
Molecular consequence: missense variant.
Genome position (GRCh38, 1-based): chr14:75,745,150, C>T. VCF-style: chr14-75745150-C-T. GRCh37 (hg19) VCF-style: chr14-76211493-C-T.
Other names: c.1337C>T (NM_015072.4); short protein forms A446V.
Identifiers: ClinVar variation 1371546 (VCV001371546.9), dbSNP rs772710450, ClinGen allele CA7279352.